The following is an entry in ClinVar:

NM_171998.4(RAB39B):c.457T>C (p.Ser153Pro)

Gene: RAB39B (RAB39B, member RAS oncogene family; minus strand). Cytogenetic location: Xq28.
Variant type: single nucleotide variant.
Coding change: c.457T>C on transcript NM_171998.4 (MANE Select); coding-DNA position 457, T replaced by C.
Protein change: p.Ser153Pro; replaces serine 153 with proline.
Molecular consequence: missense variant.
Genome position (GRCh38, 1-based): chrX:155,260,988, A>G on the plus strand (T>C on the coding strand, the complement: RAB39B is on the minus strand). VCF-style: chrX-155260988-A-G. GRCh37 (hg19) VCF-style: chrX-154490273-A-G.
Other names: short protein forms S153P.
Identifiers: ClinVar variation 4855821 (VCV004855821.1).

ClinVar aggregate classification (germline): Uncertain significance (1 of 4 stars; one submission).

Conditions:
Early-onset parkinsonism-intellectual disability syndrome (WSMN). Also called: X-linked recessive basal ganglia disorder with mental retardation; Laxova Brown Hogan syndrome; Basal ganglia disorder with mental retardation; BASAL GANGLION DISORDER WITH MENTAL RETARDATION. Identifiers: Orphanet 2379, MedGen C0796195, MONDO:0010709, OMIM 311510.

Submission:

3billion
Classification: Uncertain significance for Early-onset parkinsonism-intellectual disability syndrome. Last evaluated: 2025-11-20. Review status: criteria provided, single submitter. Criteria: ACMG Guidelines, 2015. Collection method: clinical testing. Allele origin: germline. Affected: yes.
Comment: The variant is not observed in the gnomAD v4.1.0 dataset. Predicted Consequence/Location: Missense variant In silico tool predictions suggest damaging effect of the variant on gene or gene product [REVEL: 0.97 (>=0.6, sensitivity 0.68 and specificity 0.92)]. Therefore, this variant is classified as VUS according to the recommendation of ACMG/AMP guideline.